The following is an entry in ClinVar:

ClinVar aggregate classification (germline): Pathogenic/Likely pathogenic. Review status: criteria provided, multiple submitters, no conflicts (2 of 4 stars). 3 submissions from 3 submitters: Pathogenic (1); Likely pathogenic (2). Last evaluated 2024-03-07.

Conditions:
Aspartylglucosaminuria (AGU). Also called: AGA DEFICIENCY; GLYCOASPARAGINASE; GLYCOSYLASPARAGINASE DEFICIENCY; Aspartylglucos-aminuria; Aspartylglucos-amidase (AGA) deficiency. Identifiers: Orphanet 93, MedGen C0268225, MONDO:0008830, OMIM 208400, HP:0012068.
AGA-related disorder. Also called: AGA-related condition.

Submissions (3):

Labcorp Genetics (formerly Invitae), Labcorp
Classification: Pathogenic for Aspartylglucosaminuria. Last evaluated: 2024-03-07. Review status: criteria provided, single submitter. Criteria: Invitae Variant Classification Sherloc (09022015). Collection method: clinical testing. Allele origin: germline.
Comment: This sequence change creates a premature translational stop signal (p.Arg66Serfs*7) in the AGA gene. It is expected to result in an absent or disrupted protein product. Loss-of-function variants in AGA are known to be pathogenic (PMID: 7627186, 11309371). This variant is present in population databases (rs779157725, gnomAD 0.0009%). This variant has not been reported in the literature in individuals affected with AGA-related conditions. Algorithms developed to predict the effect of sequence changes on RNA splicing suggest that this variant may disrupt the consensus splice site. For these reasons, this variant has been classified as Pathogenic.

Baylor Genetics
Classification: Likely pathogenic for Aspartylglucosaminuria. Last evaluated: 2023-01-11. Review status: criteria provided, single submitter. Criteria: ACMG Guidelines, 2015. Collection method: clinical testing. Allele origin: unknown.

Blueprint Genetics
Classification: Likely pathogenic for AGA-related disorders. Last evaluated: 2020-12-20. Review status: criteria provided, single submitter. Criteria: ACMG Guidelines, 2015. Collection method: clinical testing. Allele origin: germline. Affected: yes. Observed: 1 variant allele.

Literature cited by the submitters: PubMed 7627186 (cited by Labcorp Genetics (formerly Invitae), Labcorp); PubMed 11309371 (cited by Labcorp Genetics (formerly Invitae), Labcorp).

NM_000027.4(AGA):c.198_201del (p.Arg66fs)

Gene: AGA (aspartylglucosaminidase; minus strand). Cytogenetic location: 4q34.3.
Variant type: Microsatellite.
Coding change: c.198_201del on transcript NM_000027.4 (MANE Select); coding-DNA positions 198 to 201, 4 bases deleted (AGAG; older notation c.198_201delAGAG).
Protein change: p.Arg66fs; shifts the reading frame from arginine 66.
Molecular consequence: frameshift variant. On other transcripts: non-coding transcript variant (1).
Genome position (GRCh38, 1-based): chr4:177,440,353-177,440,356, CTCT deleted on the plus strand (AGAG on the coding strand, the reverse complement: AGA is on the minus strand); deleting any 4 consecutive bases within chr4:177,440,353-177,440,361 gives the same sequence; the c. name uses the placement nearest the transcript's 3' end. VCF-style (leftmost placement, unchanged base first): chr4-177440352-GCTCT-G. GRCh37 (hg19) VCF-style: chr4-178361506-GCTCT-G.
Other names: c.198_201del, p.Arg66fs (NM_001171988.2); short protein forms R66fs.
Identifiers: ClinVar variation 2680792 (VCV002680792.5), dbSNP rs386833420, ClinGen allele CA3146992.